The following is an entry in ClinVar:

NM_000038.6(APC):c.7426A>C (p.Arg2476=)

Gene: APC (APC regulator of Wnt signaling pathway; plus strand). Cytogenetic location: 5q22.2.
Variant type: single nucleotide variant.
Coding change: c.7426A>C on transcript NM_000038.6 (MANE Select); coding-DNA position 7426, A replaced by C.
Protein change: p.Arg2476=; no amino-acid change (arginine 2476 retained).
Molecular consequence: synonymous variant. On other transcripts: non-coding transcript variant (2).
Genome position (GRCh38, 1-based): chr5:112,843,020, A>C. VCF-style: chr5-112843020-A-C. GRCh37 (hg19) VCF-style: chr5-112178717-A-C.
Other names: c.7426A>C, p.Arg2476= (NM_001127510.3, NM_001354895.2, NM_001407450.1); c.7372A>C, p.Arg2458= (NM_001127511.3); c.7480A>C, p.Arg2494= (NM_001354896.2, NM_001407447.1, NM_001407448.1 and 1 more transcripts); c.7456A>C, p.Arg2486= (NM_001354897.2); c.7351A>C, p.Arg2451= (NM_001354898.2); c.7342A>C, p.Arg2448= (NM_001354899.2); c.7303A>C, p.Arg2435= (NM_001354900.2); c.7249A>C, p.Arg2417= (NM_001354901.2, NM_001407453.1); and 11 more.
Identifiers: ClinVar variation 4084234 (VCV004084234.8).

ClinVar aggregate classification (germline): Likely benign (1 of 4 stars; one submission).

Submission:

CeGaT Center for Human Genetics Tuebingen
Classification: Likely benign. Last evaluated: 2025-08-01. Review status: criteria provided, single submitter. Criteria: CeGaT Center For Human Genetics Tuebingen Variant Classification Criteria Version 2. Collection method: clinical testing. Allele origin: germline. Affected: yes. Observed: 1 variant allele.
Comment: APC: PM2:Supporting, BP4, BP7